The following is an entry in ClinVar:

ClinVar aggregate classification (germline): Uncertain significance. Review status: criteria provided, multiple submitters, no conflicts (2 of 4 stars). 3 submissions from 3 submitters: Uncertain significance (2). 1 of the submissions does not count toward it. Last evaluated 2025-01-29.

Conditions:
Nemaline myopathy 2 (NEM2). Also called: Nemaline myopathy 2, autosomal recessive. Identifiers: MedGen C1850569, MONDO:0009725, OMIM 256030.

Allele frequency attached by ClinVar (database versions not stated): gnomAD 0.00001; gnomAD exomes 0.00001; TOPMed 0.00001.
gnomAD v4.1: 14 of 1,611,318 alleles (0.00087%); highest among the groups gnomAD compares: African/African-American, 0.0013%; no homozygotes.

Submissions (3):

Revvity Omics, Revvity
Classification: Uncertain significance. Last evaluated: 2025-01-29. Review status: criteria provided, single submitter. Criteria: ACMG Guidelines, 2015. Collection method: clinical testing. Allele origin: germline.

Labcorp Genetics (formerly Invitae), Labcorp
Classification: Uncertain significance for Nemaline myopathy 2. Last evaluated: 2021-09-01. Review status: criteria provided, single submitter. Criteria: Invitae Variant Classification Sherloc (09022015). Collection method: clinical testing. Allele origin: germline.
Comment: This sequence change replaces serine with asparagine at codon 3276 of the NEB protein (p.Ser3276Asn). The serine residue is moderately conserved and there is a small physicochemical difference between serine and asparagine. This variant is not present in population databases (ExAC no frequency). This variant has not been reported in the literature in individuals affected with NEB-related conditions. Algorithms developed to predict the effect of missense changes on protein structure and function are either unavailable or do not agree on the potential impact of this missense change (SIFT: "Deleterious"; PolyPhen-2: "Not Available"; Align-GVGD: "Class C0"). In summary, the available evidence is currently insufficient to determine the role of this variant in disease. Therefore, it has been classified as a Variant of Uncertain Significance.

Natera, Inc.
Classification: Uncertain significance for Nemaline myopathy type 2. Last evaluated: 2020-07-22. Review status: no assertion criteria provided. Collection method: clinical testing. Allele origin: germline. Not counted in ClinVar's aggregate classification.

NM_001164508.2(NEB):c.9827G>A (p.Ser3276Asn)

Gene: NEB (nebulin; minus strand). Cytogenetic location: 2q23.3.
Variant type: single nucleotide variant.
Coding change: c.9827G>A on transcript NM_001164508.2 (MANE Select); coding-DNA position 9827, G replaced by A.
Protein change: p.Ser3276Asn; replaces serine 3276 with asparagine.
Molecular consequence: missense variant.
Genome position (GRCh38, 1-based): chr2:151,629,543, C>T on the plus strand (G>A on the coding strand, the complement: NEB is on the minus strand). VCF-style: chr2-151629543-C-T. GRCh37 (hg19) VCF-style: chr2-152486057-C-T.
Other names: c.9827G>A, p.Ser3276Asn (NM_001164507.2, NM_001271208.2); c.9098G>A, p.Ser3033Asn (NM_004543.5); short protein forms S3276N, S3033N.
Identifiers: ClinVar variation 570938 (VCV000570938.11), dbSNP rs1168444365, ClinGen allele CA348797666.
Genomic context (GRCh38, chr2:151,629,543, plus strand): 5'-AATCCTGCCTCCCCACTTCATCCATCCATGTAAATATCTAGGGTGTTGCTACTCACATCA[C>T]TGATAACGTCCCTGGAGGCCTTGGCAGCCACGATGGGGATGGCGTCACTTCGCAAGTCGT-3'
Protein context (NP_001157980.2, residues 3266-3286): VAAKASRDVI[Ser3276Asn]DYKYKDGYRK